The following is an entry in ClinVar:

NM_006030.4(CACNA2D2):c.1817T>C (p.Ile606Thr)

Gene: CACNA2D2 (calcium voltage-gated channel auxiliary subunit alpha2delta 2; minus strand). Cytogenetic location: 3p21.31.
Variant type: single nucleotide variant.
Coding change: c.1817T>C on transcript NM_006030.4 (MANE Select); coding-DNA position 1817, T replaced by C.
Protein change: p.Ile606Thr; replaces isoleucine 606 with threonine.
Molecular consequence: missense variant.
Genome position (GRCh38, 1-based): chr3:50,375,837, A>G on the plus strand (T>C on the coding strand, the complement: CACNA2D2 is on the minus strand). VCF-style: chr3-50375837-A-G. GRCh37 (hg19) VCF-style: chr3-50413268-A-G.
Other names: c.1817T>C, p.Ile606Thr (NM_001005505.3, NM_001174051.3); c.1610T>C, p.Ile537Thr (NM_001291101.1); short protein forms I537T, I606T.
Identifiers: ClinVar variation 1024759 (VCV001024759.3), dbSNP rs1029732146, ClinGen allele CA74613095.

ClinVar aggregate classification (germline): Uncertain significance (1 of 4 stars; one submission).

Conditions:
Developmental and epileptic encephalopathy. Identifiers: MedGen C5779964, MONDO:0100620.

Allele frequency attached by ClinVar (database versions not stated): gnomAD 0.00001; gnomAD exomes 0.00001; TOPMed 0.00002.
gnomAD v4.1: 5 of 1,612,814 alleles (0.00031%); highest among the groups gnomAD compares: Admixed American, 0.0033%; no homozygotes.

Submission:

Labcorp Genetics (formerly Invitae), Labcorp
Classification: Uncertain significance for Early-infantile DEE. Last evaluated: 2021-08-31. Review status: criteria provided, single submitter. Criteria: Invitae Variant Classification Sherloc (09022015). Collection method: clinical testing. Allele origin: germline.
Comment: This sequence change replaces isoleucine with threonine at codon 606 of the CACNA2D2 protein (p.Ile606Thr). The isoleucine residue is highly conserved and there is a moderate physicochemical difference between isoleucine and threonine. This variant is not present in population databases (ExAC no frequency). This variant has not been reported in the literature in individuals affected with CACNA2D2-related conditions. Algorithms developed to predict the effect of missense changes on protein structure and function are either unavailable or do not agree on the potential impact of this missense change (SIFT: "Deleterious"; PolyPhen-2: "Possibly Damaging"; Align-GVGD: "Class C0"). In summary, the available evidence is currently insufficient to determine the role of this variant in disease. Therefore, it has been classified as a Variant of Uncertain Significance.